The following is an entry in ClinVar:

NM_016239.4(MYO15A):c.8215G>C (p.Ala2739Pro)

Gene: MYO15A (myosin XVA; plus strand). Cytogenetic location: 17p11.2.
Variant type: single nucleotide variant.
Coding change: c.8215G>C on transcript NM_016239.4 (MANE Select); coding-DNA position 8215, G replaced by C.
Protein change: p.Ala2739Pro; replaces alanine 2739 with proline.
Molecular consequence: missense variant.
Genome position (GRCh38, 1-based): chr17:18,154,746, G>C. VCF-style: chr17-18154746-G-C. GRCh37 (hg19) VCF-style: chr17-18058060-G-C.
Other names: short protein forms A2739P.
Identifiers: ClinVar variation 666879 (VCV000666879.9), dbSNP rs748969088, ClinGen allele CA8425080.
Genomic context (GRCh38, chr17:18,154,746, plus strand): 5'-CACGACACGCTCTCCGAGGCCTGCCTTCGCATCTCTGAGGATGAGAGGCTCAGGATGAAG[G>C]CCTTGTTTGGTATCTCGGGGGAGAGGAGGGGTACTGATGGGGCAACCAGTCAGAGGCACA-3'
Protein context (NP_057323.3, residues 2729-2749): ISEDERLRMK[Ala2739Pro]LFAQNQLDTQ

ClinVar aggregate classification (germline): Uncertain significance. Review status: criteria provided, multiple submitters, no conflicts (2 of 4 stars). 4 submissions from 4 submitters: Uncertain significance (4). Last evaluated 2025-05-02.

Conditions:
Inborn genetic diseases. Identifiers: MedGen C0950123, MeSH D030342.

Allele frequency attached by ClinVar (database versions not stated): TOPMed below 0.00001; ExAC 0.00002.
gnomAD v4.1: 5 of 1,613,622 alleles (0.00031%); no homozygotes.

Submissions (4):

GeneDx
Classification: Uncertain significance. Last evaluated: 2025-05-02. Review status: criteria provided, single submitter. Criteria: GeneDx Variant Classification Process June 2021. Collection method: clinical testing. Allele origin: germline. Affected: yes.
Comment: In silico analysis suggests that this missense variant does not alter protein structure/function; Has not been previously published as pathogenic or benign to our knowledge

Blueprint Genetics
Classification: Uncertain significance. Last evaluated: 2024-06-04. Review status: criteria provided, single submitter. Criteria: ACMG Guidelines, 2015. Collection method: clinical testing. Allele origin: germline.

Ambry Genetics
Classification: Uncertain significance for Inborn genetic diseases. Last evaluated: 2022-01-31. Review status: criteria provided, single submitter. Criteria: Ambry Variant Classification Scheme 2023. Collection method: clinical testing. Allele origin: germline.

Laboratory for Molecular Medicine, Mass General Brigham Personalized Medicine
Classification: Uncertain significance. Last evaluated: 2019-06-12. Review status: criteria provided, single submitter. Criteria: LMM Criteria. Collection method: clinical testing. Allele origin: germline. Observed: 2 variant alleles.
Comment: This variant has been identified in 0.02% (3/10032) of Ashkenazi Jewish chromosomes by gnomAD. Computational prediction tools and conservation analysis do not provide strong support for or against an impact to the protein. In summary, the clinical significance of this variant is uncertain. ACMG/AMP Criteria applied: PM2_Supporting, PM3_Supporting.